The following is an entry in ClinVar:

NM_001128205.2(SULF1):c.2165G>A (p.Arg722Lys)

Gene: SULF1 (sulfatase 1; plus strand). Cytogenetic location: 8q13.3.
Variant type: single nucleotide variant.
Coding change: c.2165G>A on transcript NM_001128205.2 (MANE Select); coding-DNA position 2165, G replaced by A.
Protein change: p.Arg722Lys; replaces arginine 722 with lysine.
Molecular consequence: missense variant. On other transcripts: non-coding transcript variant (7).
Genome position (GRCh38, 1-based): chr8:69,629,560, G>A. VCF-style: chr8-69629560-G-A. GRCh37 (hg19) VCF-style: chr8-70541795-G-A.
Other names: c.2165G>A, p.Arg722Lys (NM_001128204.2, NM_001128206.2, NM_001412828.1 and 10 more transcripts); c.2036G>A, p.Arg679Lys (NM_001412832.1, NM_001412838.1, NM_001412839.1 and 1 more transcripts); c.2108G>A, p.Arg703Lys (NM_001412836.1, NM_001412837.1); c.1979G>A, p.Arg660Lys (NM_001412841.1, NM_001412842.1); c.1565G>A, p.Arg522Lys (NM_001412844.1, NM_001412845.1); c.374G>A, p.Arg125Lys (NM_001412846.1); short protein forms R125K, R522K, R660K, R703K, R722K, R679K.
Identifiers: ClinVar variation 2530191 (VCV002530191.3), dbSNP rs373878204, ClinGen allele CA178308454.

ClinVar aggregate classification (germline): Uncertain significance. Review status: criteria provided, multiple submitters, no conflicts (2 of 4 stars). 2 submissions from 2 submitters: Uncertain significance (2). Last evaluated 2025-03-09.

Allele frequency attached by ClinVar (database versions not stated): gnomAD exomes 0.00001; ESP Exome Variant Server 0.00008; TOPMed 0.00001; gnomAD 0.00002.
gnomAD v4.1: 8 of 1,613,946 alleles (0.0005%); highest among the groups gnomAD compares: Non-Finnish European, 0.00068%; no homozygotes.

Submissions (2):

Labcorp Genetics (formerly Invitae), Labcorp
Classification: Uncertain significance. Last evaluated: 2025-03-09. Review status: criteria provided, single submitter. Criteria: Invitae Variant Classification Sherloc (09022015). Collection method: clinical testing. Allele origin: germline.
Comment: This sequence change replaces arginine, which is basic and polar, with lysine, which is basic and polar, at codon 722 of the SULF1 protein (p.Arg722Lys). This variant is present in population databases (rs373878204, gnomAD 0.002%). This variant has not been reported in the literature in individuals affected with SULF1-related conditions. ClinVar contains an entry for this variant (Variation ID: 2530191). An algorithm developed to predict the effect of missense changes on protein structure and function (PolyPhen-2) suggests that this variant is likely to be tolerated. In summary, the available evidence is currently insufficient to determine the role of this variant in disease. Therefore, it has been classified as a Variant of Uncertain Significance.

Ambry Genetics
Classification: Uncertain significance. Last evaluated: 2023-03-27. Review status: criteria provided, single submitter. Criteria: Ambry Variant Classification Scheme 2023. Collection method: clinical testing. Allele origin: germline.